The following is an entry in ClinVar:

ClinVar aggregate classification (germline): Uncertain significance. Review status: criteria provided, multiple submitters, no conflicts (2 of 4 stars). 3 submissions from 3 submitters: Uncertain significance (3). Last evaluated 2025-12-22.

Conditions:
Inborn genetic diseases. Identifiers: MedGen C0950123, MeSH D030342.
Short stature, amelogenesis imperfecta, and skeletal dysplasia with scoliosis. Identifiers: MedGen C5193055, MONDO:0032703, OMIM 618363.

Allele frequency attached by ClinVar (database versions not stated): gnomAD 0.00005 and 0.00006; TOPMed 0.00006; ExAC 0.00009; gnomAD exomes 0.00009 and 0.00014.
gnomAD v4.1: 203 of 1,591,878 alleles (0.013%); highest among the groups gnomAD compares: Middle Eastern, 0.017%; no homozygotes.

Submissions (3):

Labcorp Genetics (formerly Invitae), Labcorp
Classification: Uncertain significance. Last evaluated: 2025-12-22. Review status: criteria provided, single submitter. Criteria: Invitae Variant Classification Sherloc (09022015). Collection method: clinical testing. Allele origin: germline.
Comment: This sequence change replaces leucine, which is neutral and non-polar, with arginine, which is basic and polar, at codon 250 of the SLC10A7 protein (p.Leu250Arg). This variant is present in population databases (rs754697850, gnomAD 0.02%). This variant has not been reported in the literature in individuals affected with SLC10A7-related conditions. ClinVar contains an entry for this variant (Variation ID: 1444703). An algorithm developed to predict the effect of missense changes on protein structure and function (PolyPhen-2) suggests that this variant is likely to be tolerated. In summary, the available evidence is currently insufficient to determine the role of this variant in disease. Therefore, it has been classified as a Variant of Uncertain Significance.

Ambry Genetics
Classification: Uncertain significance for Inborn genetic diseases. Last evaluated: 2022-05-10. Review status: criteria provided, single submitter. Criteria: Ambry Variant Classification Scheme 2023. Collection method: clinical testing. Allele origin: germline.

Department of Pathology and Laboratory Medicine, Sinai Health System
Classification: Uncertain significance for Short stature, amelogenesis imperfecta, and skeletal dysplasia with scoliosis. Last evaluated: 2020-07-27. Review status: criteria provided, single submitter. Criteria: ACMG Guidelines, 2015. Collection method: research. Allele origin: germline.

NM_001029998.6(SLC10A7):c.749T>G (p.Leu250Arg)

Gene: SLC10A7 (solute carrier family 10 member 7; minus strand). Cytogenetic location: 4q31.22.
Variant type: single nucleotide variant.
Coding change: c.749T>G on transcript NM_001029998.6 (MANE Select); coding-DNA position 749, T replaced by G.
Protein change: p.Leu250Arg; replaces leucine 250 with arginine.
Molecular consequence: missense variant.
Genome position (GRCh38, 1-based): chr4:146,292,953, A>C on the plus strand (T>G on the coding strand, the complement: SLC10A7 is on the minus strand). VCF-style: chr4-146292953-A-C. GRCh37 (hg19) VCF-style: chr4-147214105-A-C.
Other names: c.749T>G, p.Leu250Arg (NM_001300842.3); c.710T>G, p.Leu237Arg (NM_001317816.2); c.749T>G (NM_001029998.3); short protein forms L237R, L250R.
Identifiers: ClinVar variation 1444703 (VCV001444703.6), dbSNP rs754697850, ClinGen allele CA3096711.